The following is an entry in ClinVar:

ClinVar aggregate classification (germline): Uncertain significance (1 of 4 stars; one submission).

Conditions:
Inborn genetic diseases. Identifiers: MedGen C0950123, MeSH D030342.

Submission:

Ambry Genetics
Classification: Uncertain significance for Inborn genetic diseases. Last evaluated: 2022-05-21. Review status: criteria provided, single submitter. Criteria: Ambry Variant Classification Scheme 2023. Collection method: clinical testing. Allele origin: germline.
Comment: The p.Q2173R variant (also known as c.6518A>G), located in coding exon 38 of the ATR gene, results from an A to G substitution at nucleotide position 6518. The glutamine at codon 2173 is replaced by arginine, an amino acid with highly similar properties. This amino acid position is conserved. In addition, the in silico prediction for this alteration is inconclusive. Since supporting evidence is limited at this time, the clinical significance of this alteration remains unclear.

NM_001184.4(ATR):c.6518A>G (p.Gln2173Arg)

Gene: ATR (ATR checkpoint kinase; minus strand). Cytogenetic location: 3q23.
Variant type: single nucleotide variant.
Coding change: c.6518A>G on transcript NM_001184.4 (MANE Select); coding-DNA position 6518, A replaced by G.
Protein change: p.Gln2173Arg; replaces glutamine 2173 with arginine.
Molecular consequence: missense variant.
Genome position (GRCh38, 1-based): chr3:142,469,371, T>C on the plus strand (A>G on the coding strand, the complement: ATR is on the minus strand). VCF-style: chr3-142469371-T-C. GRCh37 (hg19) VCF-style: chr3-142188213-T-C.
Other names: c.6326A>G, p.Gln2109Arg (NM_001354579.2); short protein forms Q2109R, Q2173R.
Identifiers: ClinVar variation 1753986 (VCV001753986.2), dbSNP rs2473069878, ClinGen allele CA354804338.
Genomic context (GRCh38, chr3:142,469,371, plus strand): 5'-TATAAAAAGGTAAAAGACCCTTTTACCTTTGACACAGCTGTCATCATCCACATTGCTTGT[T>C]GAGGATAGGCTAGAAATACTTTGGCTATTATTTCCATCAAGACAACAAAAACTTCATCGT-3'
Protein context (NP_001175.2, residues 2163-2183): IIAKVFLAYP[Gln2173Arg]QAMWMMTAVS